The following is an entry in ClinVar:

NM_015909.4(NBAS):c.3727A>G (p.Ser1243Gly)

Gene: NBAS (NBAS subunit of NRZ tethering complex; minus strand). Cytogenetic location: 2p24.3.
Variant type: single nucleotide variant.
Coding change: c.3727A>G on transcript NM_015909.4 (MANE Select); coding-DNA position 3727, A replaced by G.
Protein change: p.Ser1243Gly; replaces serine 1243 with glycine.
Molecular consequence: missense variant. On other transcripts: non-coding transcript variant (1).
Genome position (GRCh38, 1-based): chr2:15,366,670, T>C on the plus strand (A>G on the coding strand, the complement: NBAS is on the minus strand). VCF-style: chr2-15366670-T-C. GRCh37 (hg19) VCF-style: chr2-15506794-T-C.
Other names: short protein forms S1243G.
Identifiers: ClinVar variation 1992520 (VCV001992520.2), dbSNP rs765423145, ClinGen allele CA1535927.
Genomic context (GRCh38, chr2:15,366,670, plus strand): 5'-GAAGCTTGGTGGATTGTTTATAGCATGTGGGGGACTGGGAAATACACTCCTTGATGAGAC[T>C]GATCCGATCAGGGCACAATCGCACTACAAAAGAAAGACGTATTAAAGACTTGGACCAGGG-3'
Protein context (NP_056993.2, residues 1233-1253): LQVRLCPDRI[Ser1243Gly]LIKECISQSP

ClinVar aggregate classification (germline): Uncertain significance (1 of 4 stars; one submission).

Allele frequency attached by ClinVar (database versions not stated): ExAC 0.00001.
gnomAD v4.1: 2 of 1,614,086 alleles (0.00012%); highest among the groups gnomAD compares: Admixed American, 0.0033%; no homozygotes.

Submission:

Labcorp Genetics (formerly Invitae), Labcorp
Classification: Uncertain significance. Last evaluated: 2023-08-17. Review status: criteria provided, single submitter. Criteria: Invitae Variant Classification Sherloc (09022015). Collection method: clinical testing. Allele origin: germline.
Comment: This sequence change replaces serine, which is neutral and polar, with glycine, which is neutral and non-polar, at codon 1243 of the NBAS protein (p.Ser1243Gly). This variant is present in population databases (rs765423145, gnomAD 0.006%). This variant has not been reported in the literature in individuals affected with NBAS-related conditions. ClinVar contains an entry for this variant (Variation ID: 1992520). Advanced modeling of protein sequence and biophysical properties (such as structural, functional, and spatial information, amino acid conservation, physicochemical variation, residue mobility, and thermodynamic stability) performed at Invitae indicates that this missense variant is not expected to disrupt NBAS protein function. In summary, the available evidence is currently insufficient to determine the role of this variant in disease. Therefore, it has been classified as a Variant of Uncertain Significance.